The following is an entry in ClinVar:

NM_005228.5(EGFR):c.1279C>T (p.Arg427Cys)

Gene: EGFR (epidermal growth factor receptor; plus strand). Cytogenetic location: 7p11.2.
Variant type: single nucleotide variant.
Coding change: c.1279C>T on transcript NM_005228.5 (MANE Select); coding-DNA position 1279, C replaced by T.
Protein change: p.Arg427Cys; replaces arginine 427 with cysteine.
Molecular consequence: missense variant.
Genome position (GRCh38, 1-based): chr7:55,157,734, C>T. VCF-style: chr7-55157734-C-T. GRCh37 (hg19) VCF-style: chr7-55225427-C-T.
Other names: c.1144C>T, p.Arg382Cys (NM_001346899.2, NM_001346897.2); c.1120C>T, p.Arg374Cys (NM_001346900.2); c.478C>T, p.Arg160Cys (NM_001346941.2); c.1279C>T, p.Arg427Cys (NM_001346898.2, NM_201282.2, NM_201284.2); c.1279C>T (NM_005228.3); short protein forms R374C, R427C, R160C, R382C.
Identifiers: ClinVar variation 1044009 (VCV001044009.9), dbSNP rs1785501303, ClinGen allele CA367579250.
Genomic context (GRCh38, chr7:55,157,734, plus strand): 5'-ATTCAGGCTTGGCCTGAAAACAGGACGGACCTCCATGCCTTTGAGAACCTAGAAATCATA[C>T]GCGGCAGGACCAAGCAACAGTAAGTTGACCACAGCCAAAGCCTGGTAGATTACATTTGCC-3'
Protein context (NP_005219.2, residues 417-437): LHAFENLEII[Arg427Cys]GRTKQHGQFS

ClinVar aggregate classification (germline): Uncertain significance. Review status: criteria provided, multiple submitters, no conflicts (2 of 4 stars). 2 submissions from 2 submitters: Uncertain significance (2). Last evaluated 2025-12-01.

Conditions:
Hereditary cancer-predisposing syndrome. Also called: Hereditary Cancer Syndrome; Tumor predisposition; Hereditary neoplastic syndrome; Neoplastic Syndromes, Hereditary. Identifiers: Orphanet 140162, MedGen C0027672, MeSH D009386, MONDO:0015356.
EGFR-related lung cancer (EGFR). Identifiers: MedGen CN130014.

Allele frequency attached by ClinVar (database versions not stated): gnomAD exomes below 0.00001.
gnomAD v4.1: 1 of 1,614,190 alleles (0.000062%); highest among the groups gnomAD compares: Non-Finnish European, 0.000085%; no homozygotes.

Submissions (2):

Ambry Genetics
Classification: Uncertain significance for Hereditary cancer-predisposing syndrome. Last evaluated: 2025-12-01. Review status: criteria provided, single submitter. Criteria: Ambry Variant Classification Scheme 2023. Collection method: clinical testing. Allele origin: germline.
Comment: The p.R427C variant (also known as c.1279C>T), located in coding exon 11 of the EGFR gene, results from a C to T substitution at nucleotide position 1279. The arginine at codon 427 is replaced by cysteine, an amino acid with highly dissimilar properties. This amino acid position is highly conserved in available vertebrate species. In addition, this alteration is predicted to be deleterious by in silico analysis. Based on the available evidence, the clinical significance of this variant remains unclear.

Labcorp Genetics (formerly Invitae), Labcorp
Classification: Uncertain significance for EGFR-related lung cancer. Last evaluated: 2025-04-07. Review status: criteria provided, single submitter. Criteria: Invitae Variant Classification Sherloc (09022015). Collection method: clinical testing. Allele origin: germline.
Comment: This sequence change replaces arginine, which is basic and polar, with cysteine, which is neutral and slightly polar, at codon 427 of the EGFR protein (p.Arg427Cys). This variant is not present in population databases (gnomAD no frequency). This variant has not been reported in the literature in individuals affected with EGFR-related conditions. ClinVar contains an entry for this variant (Variation ID: 1044009). Invitae Evidence Modeling of protein sequence and biophysical properties (such as structural, functional, and spatial information, amino acid conservation, physicochemical variation, residue mobility, and thermodynamic stability) indicates that this missense variant is not expected to disrupt EGFR protein function with a negative predictive value of 80%. In summary, the available evidence is currently insufficient to determine the role of this variant in disease. Therefore, it has been classified as a Variant of Uncertain Significance.